The following is an entry in ClinVar:

NM_000180.4(GUCY2D):c.2015G>A (p.Cys672Tyr)

Gene: GUCY2D (guanylate cyclase 2D, retinal; plus strand). Cytogenetic location: 17p13.1.
Variant type: single nucleotide variant.
Coding change: c.2015G>A on transcript NM_000180.4 (MANE Select); coding-DNA position 2015, G replaced by A.
Protein change: p.Cys672Tyr; replaces cysteine 672 with tyrosine.
Molecular consequence: missense variant.
Genome position (GRCh38, 1-based): chr17:8,012,508, G>A. VCF-style: chr17-8012508-G-A. GRCh37 (hg19) VCF-style: chr17-7915826-G-A.
Other names: short protein forms C672Y.
Identifiers: ClinVar variation 1038942 (VCV001038942.8), dbSNP rs1975873821, ClinGen allele CA397952257.
Genomic context (GRCh38, chr17:8,012,508, plus strand): 5'-AGGGAATAAGGTATCTGCACCATCGAGGCGTGGCTCATGGGCGGCTGAAGTCACGGAACT[G>A]CATAGTGGATGGCAGATTCGTACTCAAGATCACTGACCACGGCCACGGGAGACTGCTGGA-3'
Protein context (NP_000171.1, residues 662-682): VAHGRLKSRN[Cys672Tyr]IVDGRFVLKI

ClinVar aggregate classification (germline): Uncertain significance (1 of 4 stars; one submission).

Conditions:
Cone-rod dystrophy 6 (CORD6). Also called: RETINAL CONE DYSTROPHY 2; Cone dystrophy progressive. Identifiers: Orphanet 1872, MedGen C1866293, MONDO:0011143, OMIM 601777.
Leber congenital amaurosis 1 (LCA1). Also called: RETINAL BLINDNESS, CONGENITAL; AMAUROSIS CONGENITA OF LEBER I; Congenital absence of the rods and cones; Leber's congenital tapetoretinal degeneration; Leber's congenital tapetoretinal dysplasia. Identifiers: Orphanet 65, MedGen C2931258, MONDO:0008764, OMIM 204000.

Submission:

Labcorp Genetics (formerly Invitae), Labcorp
Classification: Uncertain significance for Leber congenital amaurosis 1; Cone-rod dystrophy 6. Last evaluated: 2020-03-17. Review status: criteria provided, single submitter. Criteria: Invitae Variant Classification Sherloc (09022015). Collection method: clinical testing. Allele origin: germline.
Comment: This sequence change replaces cysteine with tyrosine at codon 672 of the GUCY2D protein (p.Cys672Tyr). The cysteine residue is highly conserved and there is a large physicochemical difference between cysteine and tyrosine. This variant is not present in population databases (ExAC no frequency). This variant has been observed in individual(s) with Leber congenital amaurosis (PMID: 23661368) or clinical features of inherited retinal disease (Invitae). In at least one individual the data is consistent with the variant being in trans (on the opposite chromosome) from a pathogenic variant. Algorithms developed to predict the effect of missense changes on protein structure and function (SIFT, PolyPhen-2, Align-GVGD) all suggest that this variant is likely to be disruptive, but these predictions have not been confirmed by published functional studies and their clinical significance is uncertain. In summary, the available evidence is currently insufficient to determine the role of this variant in disease. Therefore, it has been classified as a Variant of Uncertain Significance.

Literature cited by the submitters: PubMed 23661368.